The following is an entry in ClinVar:

NM_052854.4(CREB3L1):c.284C>T (p.Ala95Val)

Gene: CREB3L1 (cAMP responsive element binding protein 3 like 1; plus strand). Cytogenetic location: 11p11.2.
Variant type: single nucleotide variant.
Coding change: c.284C>T on transcript NM_052854.4 (MANE Select); coding-DNA position 284, C replaced by T.
Protein change: p.Ala95Val; replaces alanine 95 with valine.
Molecular consequence: missense variant.
Genome position (GRCh38, 1-based): chr11:46,300,116, C>T. VCF-style: chr11-46300116-C-T. GRCh37 (hg19) VCF-style: chr11-46321667-C-T.
Other names: short protein forms A95V.
Identifiers: ClinVar variation 1423517 (VCV001423517.10), dbSNP rs190038304, ClinGen allele CA5961532.

ClinVar aggregate classification (germline): Uncertain significance. Review status: criteria provided, multiple submitters, no conflicts (2 of 4 stars). 6 submissions from 6 submitters: Uncertain significance (6). Last evaluated 2026-02-17.

Conditions:
Osteogenesis imperfecta type 16. Also called: Osteogenesis imperfecta, type xvi; OI, TYPE XVI. Identifiers: Orphanet 666, MedGen C4015610, MONDO:0014544, OMIM 616229.

Allele frequency attached by ClinVar (database versions not stated): 1000 Genomes Project 30x 0.00062; 1000 Genomes Project 0.00080; ESP Exome Variant Server 0.00096; gnomAD 0.00108 and 0.00110; TOPMed 0.00119; ExAC 0.00138.

Submissions (6):

Women's Health and Genetics/Laboratory Corporation of America, LabCorp
Classification: Uncertain significance. Last evaluated: 2026-02-17. Review status: criteria provided, single submitter. Criteria: LabCorp Variant Classification Summary - May 2015. Collection method: clinical testing. Allele origin: germline.
Comment: Variant summary: CREB3L1 c.284C>T (p.Ala95Val) results in a non-conservative amino acid change in the encoded protein sequence. Algorithms developed to predict the effect of missense changes on protein structure and function are either unavailable or do not agree on the potential impact of this missense change. The variant allele was found at a frequency of 0.00099 in 248010 control chromosomes. This frequency is not significantly higher than estimated for disease-causing variants in CREB3L1, allowing no conclusion about variant significance. To our knowledge, no occurrence of c.284C>T in individuals affected with CREB3L1-related conditions and no experimental evidence demonstrating its impact on protein function have been reported. ClinVar contains an entry for this variant (Variation ID: 1423517). Based on the evidence outlined above, the variant was classified as uncertain significance.

Blueprint Genetics
Classification: Uncertain significance. Last evaluated: 2024-11-19. Review status: criteria provided, single submitter. Criteria: ACMG Guidelines, 2015. Collection method: clinical testing. Allele origin: germline.

Labcorp Genetics (formerly Invitae), Labcorp
Classification: Uncertain significance. Last evaluated: 2022-10-13. Review status: criteria provided, single submitter. Criteria: Invitae Variant Classification Sherloc (09022015). Collection method: clinical testing. Allele origin: germline.
Comment: This sequence change replaces alanine, which is neutral and non-polar, with valine, which is neutral and non-polar, at codon 95 of the CREB3L1 protein (p.Ala95Val). This variant is present in population databases (rs190038304, gnomAD 0.2%), and has an allele count higher than expected for a pathogenic variant. This variant has not been reported in the literature in individuals affected with CREB3L1-related conditions. ClinVar contains an entry for this variant (Variation ID: 1423517). Algorithms developed to predict the effect of missense changes on protein structure and function are either unavailable or do not agree on the potential impact of this missense change (SIFT: "Tolerated"; PolyPhen-2: "Probably Damaging"; Align-GVGD: "Class C0"). In summary, the available evidence is currently insufficient to determine the role of this variant in disease. Therefore, it has been classified as a Variant of Uncertain Significance.

GeneDx
Classification: Uncertain significance. Last evaluated: 2022-04-19. Review status: criteria provided, single submitter. Criteria: GeneDx Variant Classification Process June 2021. Collection method: clinical testing. Allele origin: germline. Affected: yes.
Comment: In silico analysis, which includes protein predictors and evolutionary conservation, supports a deleterious effect; Has not been previously published as pathogenic or benign to our knowledge

Revvity Omics, Revvity
Classification: Uncertain significance for Osteogenesis imperfecta type 16. Last evaluated: 2021-12-21. Review status: criteria provided, single submitter. Criteria: ACMG Guidelines, 2015. Collection method: clinical testing. Allele origin: germline.

Breakthrough Genomics
Classification: Uncertain significance. Review status: criteria provided, single submitter. Criteria: ACMG Guidelines, 2015. Collection method: not provided. Allele origin: germline. Inheritance: Autosomal recessive inheritance. Affected: yes.